The following is an entry in ClinVar:

NM_032043.3(BRIP1):c.2591T>C (p.Val864Ala)

Gene: BRIP1 (BRCA1 interacting DNA helicase 1; minus strand). Cytogenetic location: 17q23.2.
Variant type: single nucleotide variant.
Coding change: c.2591T>C on transcript NM_032043.3 (MANE Select); coding-DNA position 2591, T replaced by C.
Protein change: p.Val864Ala; replaces valine 864 with alanine.
Molecular consequence: missense variant.
Genome position (GRCh38, 1-based): chr17:61,686,150, A>G on the plus strand (T>C on the coding strand, the complement: BRIP1 is on the minus strand). VCF-style: chr17-61686150-A-G. GRCh37 (hg19) VCF-style: chr17-59763511-A-G.
Other names: short protein forms V864A.
Identifiers: ClinVar variation 640952 (VCV000640952.22), dbSNP rs1294102948, ClinGen allele CA400481985.
Genomic context (GRCh38, chr17:61,686,150, plus strand): 5'-AATTCAGCCAAGGATTCCAGTGCACTTTCAAAGGTTGAATGGTGCTGAATCTGCTGCCGT[A>G]CCCATTTAGAAAGTCCTAAAGAAAAAGGTAAACCCAGGGAAAATTTGGTTACTTAGTTAT-3'
Protein context (NP_114432.2, residues 854-874): SRYISGLSKW[Val864Ala]RQQIQHHSTF

ClinVar aggregate classification (germline): Uncertain significance. Review status: criteria provided, multiple submitters, no conflicts (2 of 4 stars). 4 submissions from 4 submitters: Uncertain significance (4). Last evaluated 2026-01-11.

Conditions:
Hereditary cancer-predisposing syndrome. Also called: Neoplastic Syndromes, Hereditary; Hereditary Cancer Syndrome; Hereditary neoplastic syndrome; Tumor predisposition. Identifiers: Orphanet 140162, MedGen C0027672, MeSH D009386, MONDO:0015356.
Familial cancer of breast. Also called: hereditary breast carcinoma; BREAST CANCER, FAMILIAL; Hereditary breast cancer. Identifiers: Orphanet 227535, MedGen C0346153, MONDO:0016419, OMIM 114480. Disease mechanism: loss of function.
Fanconi anemia complementation group J. Also called: BRIP1-Related Fanconi Anemia. Identifiers: Orphanet 84, MedGen C1836860, MONDO:0012187, OMIM 609054.

Submissions (4):

Labcorp Genetics (formerly Invitae), Labcorp
Classification: Uncertain significance for Familial cancer of breast; Fanconi anemia complementation group J. Last evaluated: 2026-01-11. Review status: criteria provided, single submitter. Criteria: Invitae Variant Classification Sherloc (09022015). Collection method: clinical testing. Allele origin: germline.
Comment: This sequence change replaces valine, which is neutral and non-polar, with alanine, which is neutral and non-polar, at codon 864 of the BRIP1 protein (p.Val864Ala). This variant is present in population databases (no rsID available, gnomAD 0.0009%). This variant has not been reported in the literature in individuals affected with BRIP1-related conditions. ClinVar contains an entry for this variant (Variation ID: 640952). Invitae Evidence Modeling of protein sequence and biophysical properties (such as structural, functional, and spatial information, amino acid conservation, physicochemical variation, residue mobility, and thermodynamic stability) has been performed for this missense variant. However, the output from this modeling did not meet the statistical confidence thresholds required to predict the impact of this variant on BRIP1 protein function. In summary, the available evidence is currently insufficient to determine the role of this variant in disease. Therefore, it has been classified as a Variant of Uncertain Significance.

GeneDx
Classification: Uncertain significance. Last evaluated: 2024-07-23. Review status: criteria provided, single submitter. Criteria: GeneDx Variant Classification Process June 2021. Collection method: clinical testing. Allele origin: germline. Affected: yes.
Comment: Not observed at significant frequency in large population cohorts (gnomAD); In silico analysis supports that this missense variant has a deleterious effect on protein structure/function; Has not been previously published as pathogenic or benign to our knowledge

Ambry Genetics
Classification: Uncertain significance for Hereditary cancer-predisposing syndrome. Last evaluated: 2024-06-20. Review status: criteria provided, single submitter. Criteria: Ambry Variant Classification Scheme 2023. Collection method: clinical testing. Allele origin: germline.
Comment: The p.V864A variant (also known as c.2591T>C), located in coding exon 18 of the BRIP1 gene, results from a T to C substitution at nucleotide position 2591. The valine at codon 864 is replaced by alanine, an amino acid with similar properties. This amino acid position is not well conserved in available vertebrate species. In addition, the in silico prediction for this alteration is inconclusive. Since supporting evidence is limited at this time, the clinical significance of this alteration remains unclear.

Color Diagnostics, LLC DBA Color Health
Classification: Uncertain significance for Hereditary cancer-predisposing syndrome. Last evaluated: 2024-03-06. Review status: criteria provided, single submitter. Criteria: ACMG Guidelines, 2015. Collection method: clinical testing. Allele origin: germline.
Comment: This missense variant replaces valine with alanine at codon 864 of the BRIP1 protein. Computational prediction is inconclusive regarding the impact of this variant on protein structure and function (internally defined REVEL score threshold 0.5 < inconclusive < 0.7, PMID: 27666373). Splice site prediction tools suggest that this variant may not impact RNA splicing. To our knowledge, functional studies have not been performed for this variant. This variant has not been reported in individuals affected with hereditary cancer in the literature. This variant has not been identified in the general population by the Genome Aggregation Database (gnomAD). The available evidence is insufficient to determine the role of this variant in disease conclusively. Therefore, this variant is classified as a Variant of Uncertain Significance.